The following is an entry in ClinVar:

ClinVar aggregate classification (germline): Uncertain significance. Review status: criteria provided, multiple submitters, no conflicts (2 of 4 stars). 2 submissions from 2 submitters: Uncertain significance (2). Last evaluated 2024-01-29.

Conditions:
Hereditary cancer-predisposing syndrome. Also called: Hereditary Cancer Syndrome; Hereditary neoplastic syndrome; Tumor predisposition; Neoplastic Syndromes, Hereditary. Identifiers: Orphanet 140162, MedGen C0027672, MeSH D009386, MONDO:0015356.
BAP1-related tumor predisposition syndrome (TPDS1). Also called: BAP1 tumor predisposition syndrome; TUMOR PREDISPOSITION SYNDROME 1; Tumor susceptibility linked to germline BAP1 mutations; COMMON Syndrome. Identifiers: Orphanet 289539, MedGen C3280492, MONDO:0013692, OMIM 614327.

Allele frequency attached by ClinVar (database versions not stated): gnomAD exomes below 0.00001.
gnomAD v4.1: 2 of 1,614,226 alleles (0.00012%); highest among the groups gnomAD compares: East Asian, 0.0022%; no homozygotes.

Submissions (2):

Ambry Genetics
Classification: Uncertain significance for Hereditary cancer-predisposing syndrome. Last evaluated: 2024-01-29. Review status: criteria provided, single submitter. Criteria: Ambry Variant Classification Scheme 2023. Collection method: clinical testing. Allele origin: germline.
Comment: The p.R610G variant (also known as c.1828A>G), located in coding exon 14 of the BAP1 gene, results from an A to G substitution at nucleotide position 1828. The arginine at codon 610 is replaced by glycine, an amino acid with dissimilar properties. This amino acid position is conserved. In addition, this alteration is predicted to be tolerated by in silico analysis. Based on the available evidence, the clinical significance of this alteration remains unclear.

Labcorp Genetics (formerly Invitae), Labcorp
Classification: Uncertain significance for BAP1-related tumor predisposition syndrome. Last evaluated: 2023-10-24. Review status: criteria provided, single submitter. Criteria: Invitae Variant Classification Sherloc (09022015). Collection method: clinical testing. Allele origin: germline.
Comment: This sequence change replaces arginine, which is basic and polar, with glycine, which is neutral and non-polar, at codon 610 of the BAP1 protein (p.Arg610Gly). This variant is present in population databases (no rsID available, gnomAD 0.006%). This variant has not been reported in the literature in individuals affected with BAP1-related conditions. Advanced modeling of protein sequence and biophysical properties (such as structural, functional, and spatial information, amino acid conservation, physicochemical variation, residue mobility, and thermodynamic stability) performed at Invitae indicates that this missense variant is not expected to disrupt BAP1 protein function with a negative predictive value of 80%. In summary, the available evidence is currently insufficient to determine the role of this variant in disease. Therefore, it has been classified as a Variant of Uncertain Significance.

NM_004656.4(BAP1):c.1828A>G (p.Arg610Gly)

Gene: BAP1 (BRCA1 associated deubiquitinase 1; minus strand). Cytogenetic location: 3p21.1.
Variant type: single nucleotide variant.
Coding change: c.1828A>G on transcript NM_004656.4 (MANE Select); coding-DNA position 1828, A replaced by G.
Protein change: p.Arg610Gly; replaces arginine 610 with glycine.
Molecular consequence: missense variant.
Genome position (GRCh38, 1-based): chr3:52,403,200, T>C on the plus strand (A>G on the coding strand, the complement: BAP1 is on the minus strand). VCF-style: chr3-52403200-T-C. GRCh37 (hg19) VCF-style: chr3-52437216-T-C.
Other names: c.1774A>G, p.Arg592Gly (NM_001410772.1); short protein forms R592G, R610G.
Identifiers: ClinVar variation 2905060 (VCV002905060.4), dbSNP rs1360392234, ClinGen allele CA353098395.